The following is an entry in ClinVar:

NM_000334.4(SCN4A):c.5191G>A (p.Ala1731Thr)

Genes: GH-LCR (growth hormone locus control region; plus strand), SCN4A (sodium voltage-gated channel alpha subunit 4; minus strand). Cytogenetic location: 17q23.3.
Variant type: single nucleotide variant.
Coding change: c.5191G>A on transcript NM_000334.4 (MANE Select); coding-DNA position 5191, G replaced by A.
Protein change: p.Ala1731Thr; replaces alanine 1731 with threonine.
Molecular consequence: missense variant.
Genome position (GRCh38, 1-based): chr17:63,941,091, C>T on the plus strand (G>A on the coding strand, the complement: SCN4A is on the minus strand). VCF-style: chr17-63941091-C-T. GRCh37 (hg19) VCF-style: chr17-62018451-C-T.
Other names: short protein forms A1731T.
Identifiers: ClinVar variation 705678 (VCV000705678.21), dbSNP rs371104286, ClinGen allele CA8708820.
Genomic context (GRCh38, chr17:63,941,091, plus strand): 5'-ATGCCTGCTTCATGGAGCGCTGTAGCAGGTGCCGGCGGTAGGCCCTCTGGATCTTGATGG[C>T]GCACACCTCCTCGTGCTTCCTCTTGAGGGTGGTGGTGATGGGCTCGTAGGACACCTTGGA-3'
Protein context (NP_000325.4, residues 1721-1741): TLKRKHEEVC[Ala1731Thr]IKIQRAYRRH

ClinVar aggregate classification (germline): Benign/Likely benign. Review status: criteria provided, multiple submitters, no conflicts (2 of 4 stars). 10 submissions from 6 submitters: Benign (7); Likely benign (3). Last evaluated 2026-09-01.

Conditions:
SCN4A-related disorder. Also called: SCN4A-related disorders.
Paramyotonia congenita of Von Eulenburg. Also called: PARALYSIS PERIODICA PARAMYOTONICA; Eulenburg disease; Myotonia congenita intermittens; Von Eulenburg paramyotonia congenita; Paramyotonia Congenita. Identifiers: Orphanet 684, MedGen C0221055, MONDO:0008195, OMIM 168300. Disease mechanism: loss of function.
Hypokalemic periodic paralysis, type 2 (HOKPP2). Identifiers: Orphanet 681, MedGen C2750061, MONDO:0013234, OMIM 613345.
Hyperkalemic periodic paralysis. Also called: Familial hyperkalemic periodic paralysis; Gamstorp disease. Identifiers: Orphanet 682, MedGen C0238357, MONDO:0008224, OMIM 170500, HP:0007215.
Hypokalemic periodic paralysis, type 1. Also called: Hypokalemic Periodic Paralysis Type 1 (AD); HypoPP. Identifiers: Orphanet 681, MedGen C3714580, MONDO:0042979, OMIM 170400.
Potassium-aggravated myotonia. Also called: MYOTONIA CONGENITA, ACETAZOLAMIDE-RESPONSIVE; MYOTONIA CONGENITA, ATYPICAL; SODIUM CHANNEL MUSCLE DISEASE; Myotonia congenita, atypical, acetazolamide-responsive. Identifiers: Orphanet 612, Orphanet 99734, Orphanet 99735, Orphanet 99736, MedGen C2931826, MONDO:0018959, OMIM 608390.
Congenital myasthenic syndrome 16. Identifiers: Orphanet 590, MedGen C3280112, MONDO:0013620, OMIM 614198.

Allele frequency attached by ClinVar (database versions not stated): TOPMed 0.00004; gnomAD exomes 0.00112 and 0.00059; ESP Exome Variant Server 0.00008; gnomAD 0.00003 and 0.00022; 1000 Genomes Project 30x 0.00047; 1000 Genomes Project 0.00060; ExAC 0.00116.
gnomAD v4.1: 882 of 1,613,964 alleles (0.055%); highest among the groups gnomAD compares: South Asian, 0.93%; 17 homozygotes.

Submissions (10):

CeGaT Center for Human Genetics Tuebingen
Classification: Likely benign. Last evaluated: 2026-09-01. Review status: criteria provided, single submitter. Criteria: CeGaT Center For Human Genetics Tuebingen Variant Classification Criteria Version 2. Collection method: clinical testing. Allele origin: germline. Affected: yes. Observed: 1 variant allele.
Comment: SCN4A: BS2

Labcorp Genetics (formerly Invitae), Labcorp
Classification: Benign for Hyperkalemic periodic paralysis. Last evaluated: 2025-11-04. Review status: criteria provided, single submitter. Criteria: Invitae Variant Classification Sherloc (09022015). Collection method: clinical testing. Allele origin: germline.

PreventionGenetics, part of Exact Sciences
Classification: Benign for SCN4A-related condition. Last evaluated: 2025-04-26. Review status: criteria provided, single submitter. Criteria: ACMG Guidelines, 2015. Collection method: clinical testing. Allele origin: germline.
Comment: This variant is classified as benign based on ACMG/AMP sequence variant interpretation guidelines (Richards et al. 2015 PMID: 25741868, with internal and published modifications).

Fulgent Genetics
Classification: Likely benign for Paramyotonia congenita of Von Eulenburg; Hypokalemic periodic paralysis, type 1; Hyperkalemic periodic paralysis; Potassium-aggravated myotonia; Hypokalemic periodic paralysis, type 2; Congenital myasthenic syndrome 16. Last evaluated: 2021-11-08. Review status: criteria provided, single submitter. Criteria: ACMG Guidelines, 2015. Collection method: clinical testing. Allele origin: unknown.

GeneDx
Classification: Benign. Last evaluated: 2020-12-14. Review status: criteria provided, single submitter. Criteria: GeneDx Variant Classification Process June 2021. Collection method: clinical testing. Allele origin: germline. Affected: yes.

Illumina Laboratory Services, Illumina
Classification: Benign for Paramyotonia congenita of Von Eulenburg. Last evaluated: 2018-01-13. Review status: criteria provided, single submitter. Criteria: ICSL Variant Classification Criteria 13 December 2019. Collection method: clinical testing. Allele origin: germline.
Comment: This variant was observed in the ICSL laboratory as part of a predisposition screen in an ostensibly healthy population. It had not been previously curated by ICSL or reported in the Human Gene Mutation Database (HGMD: prior to June 1st, 2018), and was therefore a candidate for classification through an automated scoring system. Utilizing variant allele frequency, disease prevalence and penetrance estimates, and inheritance mode, an automated score was calculated to assess if this variant is too frequent to cause the disease. Based on the score and internal cut-off values, a variant classified as benign is not then subjected to further curation. The score for this variant resulted in a classification of benign for this disease.

Illumina Laboratory Services, Illumina
Classification: Benign for Hypokalemic periodic paralysis, type 2. Last evaluated: 2018-01-13. Review status: criteria provided, single submitter. Criteria: ICSL Variant Classification Criteria 13 December 2019. Collection method: clinical testing. Allele origin: germline.
Comment: the same text as in the submission from Illumina Laboratory Services, Illumina above.

Illumina Laboratory Services, Illumina
Classification: Benign for Potassium-aggravated myotonia. Last evaluated: 2018-01-13. Review status: criteria provided, single submitter. Criteria: ICSL Variant Classification Criteria 13 December 2019. Collection method: clinical testing. Allele origin: germline.
Comment: the same text as in the submission from Illumina Laboratory Services, Illumina above.

Illumina Laboratory Services, Illumina
Classification: Benign for Hyperkalemic periodic paralysis. Last evaluated: 2018-01-13. Review status: criteria provided, single submitter. Criteria: ICSL Variant Classification Criteria 13 December 2019. Collection method: clinical testing. Allele origin: germline.
Comment: the same text as in the submission from Illumina Laboratory Services, Illumina above.

Illumina Laboratory Services, Illumina
Classification: Likely benign for Congenital myasthenic syndrome 16. Last evaluated: 2018-01-13. Review status: criteria provided, single submitter. Criteria: ICSL Variant Classification Criteria 13 December 2019. Collection method: clinical testing. Allele origin: germline.
Comment: This variant was observed in the ICSL laboratory as part of a predisposition screen in an ostensibly healthy population. It had not been previously curated by ICSL or reported in the Human Gene Mutation Database (HGMD: prior to June 1st, 2018), and was therefore a candidate for classification through an automated scoring system. Utilizing variant allele frequency, disease prevalence and penetrance estimates, and inheritance mode, an automated score was calculated to assess if this variant is too frequent to cause the disease. Based on the score and internal cut-off values, a variant classified as likely benign is not then subjected to further curation. The score for this variant resulted in a classification of likely benign for this disease.